The following is an entry in ClinVar:

ClinVar aggregate classification (germline): Uncertain significance (1 of 4 stars; one submission).

Conditions:
Anauxetic dysplasia. Identifiers: Orphanet 93347, MedGen C1846796, MONDO:0011773.

Allele frequency attached by ClinVar (database versions not stated): gnomAD exomes below 0.00001 and 0.00001.
gnomAD v4.1: 2 of 697,850 alleles (0.00029%); highest among the groups gnomAD compares: Admixed American, 0.002%; no homozygotes.

Submission:

Labcorp Genetics (formerly Invitae), Labcorp
Classification: Uncertain significance for Anauxetic dysplasia. Last evaluated: 2022-03-27. Review status: criteria provided, single submitter. Criteria: Invitae Variant Classification Sherloc (09022015). Collection method: clinical testing. Allele origin: germline.
Comment: This variant occurs in the RMRP gene, which encodes an RNA molecule that does not result in a protein product. This variant is present in population databases (no rsID available, gnomAD 0.004%). This variant has not been reported in the literature in individuals affected with RMRP-related conditions. Experimental studies and prediction algorithms are not available or were not evaluated, and the functional significance of this variant is currently unknown. In summary, the available evidence is currently insufficient to determine the role of this variant in disease. Therefore, it has been classified as a Variant of Uncertain Significance.

NC_000009.12:g.35657784G>A

Gene: RMRP (RNA component of mitochondrial RNA processing endoribonuclease; minus strand). Cytogenetic location: 9p13.3.
Variant type: single nucleotide variant.
Genome position: GRCh38 VCF-style: chr9-35657784-G-A. GRCh37 (hg19) VCF-style: chr9-35657781-G-A.
Identifiers: ClinVar variation 1424360 (VCV001424360.3), dbSNP rs1002409010, ClinGen allele CA464450351.